The following is an entry in ClinVar:

ClinVar aggregate classification (germline): Likely benign. Review status: criteria provided, single submitter (1 of 4 stars). 2 submissions from 2 submitters: Likely benign (1). 1 of the submissions does not count toward it. Last evaluated 2025-05-01.

Conditions:
ASH1L-related disorder. Also called: ASH1L-related condition.

Allele frequency attached by ClinVar (database versions not stated): gnomAD exomes 0.00002; ExAC 0.00003; gnomAD 0.00003; TOPMed 0.00004; 1000 Genomes Project 30x 0.00016; 1000 Genomes Project 0.00020.
gnomAD v4.1: 78 of 1,614,176 alleles (0.0048%); highest among the groups gnomAD compares: Non-Finnish European, 0.0059%; no homozygotes.

Submissions (2):

CeGaT Center for Human Genetics Tuebingen
Classification: Likely benign. Last evaluated: 2025-05-01. Review status: criteria provided, single submitter. Criteria: CeGaT Center For Human Genetics Tuebingen Variant Classification Criteria Version 2. Collection method: clinical testing. Allele origin: germline. Affected: yes. Observed: 2 variant alleles.
Comment: ASH1L: BP4, BP7

PreventionGenetics, part of Exact Sciences
Classification: Likely benign for ASH1L-related condition. Last evaluated: 2022-06-15. Review status: no assertion criteria provided. Collection method: clinical testing. Allele origin: germline. Not counted in ClinVar's aggregate classification.
Comment: This variant is classified as likely benign based on ACMG/AMP sequence variant interpretation guidelines (Richards et al. 2015 PMID: 25741868, with internal and published modifications).

NM_018489.3(ASH1L):c.1101G>A (p.Leu367=)

Gene: ASH1L (ASH1 like histone lysine methyltransferase; minus strand). Cytogenetic location: 1q22.
Variant type: single nucleotide variant.
Coding change: c.1101G>A on transcript NM_018489.3 (MANE Select); coding-DNA position 1101, G replaced by A.
Protein change: p.Leu367=; no amino-acid change (leucine 367 retained).
Molecular consequence: synonymous variant.
Genome position (GRCh38, 1-based): chr1:155,481,769, C>T on the plus strand (G>A on the coding strand, the complement: ASH1L is on the minus strand). VCF-style: chr1-155481769-C-T. GRCh37 (hg19) VCF-style: chr1-155451560-C-T.
Other names: c.1101G>A (NM_018489.2); c.1101G>A, p.Leu367= (NM_001366177.2).
Identifiers: ClinVar variation 1694529 (VCV001694529.32), dbSNP rs41313892, ClinGen allele CA1147403.
Genomic context (GRCh38, chr1:155,481,769, plus strand): 5'-ACAGTCCTTGGCCACTAGGCCAACAGTAGAACCCAATTTCTTTCCCAAATCTTTATTAAC[C>T]AGTCCAACCACAGTGCCAAGTCCTAACTTCTTGCCAGACTCTTTATGCACTAAACCTGGA-3'
Protein context (NP_060959.2, residues 357-377): KKLGLGTVVG[Leu367=]VNKDLGKKLG